The following is an entry in ClinVar:

ClinVar aggregate classification (germline): Uncertain significance (1 of 4 stars; one submission).

Conditions:
Frontotemporal dementia and/or amyotrophic lateral sclerosis 4. Also called: FTDALS4. Identifiers: Orphanet 275872, MedGen C4225325, MONDO:0014641, OMIM 616439.

Allele frequency attached by ClinVar (database versions not stated): ExAC 0.00001; gnomAD exomes 0.00001.
gnomAD v4.1: 13 of 1,565,748 alleles (0.00083%); highest among the groups gnomAD compares: Non-Finnish European, 0.0011%; no homozygotes.

Submission:

Labcorp Genetics (formerly Invitae), Labcorp
Classification: Uncertain significance for Frontotemporal dementia and/or amyotrophic lateral sclerosis 4. Last evaluated: 2024-05-07. Review status: criteria provided, single submitter. Criteria: Invitae Variant Classification Sherloc (09022015). Collection method: clinical testing. Allele origin: germline.
Comment: This sequence change falls in intron 11 of the TBK1 gene. It does not directly change the encoded amino acid sequence of the TBK1 protein. It affects a nucleotide within the consensus splice site. The frequency data for this variant in the population databases is considered unreliable, as metrics indicate poor data quality at this position in the gnomAD database. This variant has not been reported in the literature in individuals affected with TBK1-related conditions. ClinVar contains an entry for this variant (Variation ID: 2196924). Variants that disrupt the consensus splice site are a relatively common cause of aberrant splicing (PMID: 17576681, 9536098). Algorithms developed to predict the effect of sequence changes on RNA splicing suggest that this variant is not likely to affect RNA splicing. In summary, the available evidence is currently insufficient to determine the role of this variant in disease. Therefore, it has been classified as a Variant of Uncertain Significance.

Literature cited by the submitters: PubMed 17576681; PubMed 9536098.

NM_013254.4(TBK1):c.1340+3A>G

Gene: TBK1 (TANK binding kinase 1; plus strand). Cytogenetic location: 12q14.2.
Variant type: single nucleotide variant.
Coding change: c.1340+3A>G on transcript NM_013254.4 (MANE Select); 3 bases into the intron after coding-DNA position 1340, A replaced by G.
Molecular consequence: intron variant.
Genome position (GRCh38, 1-based): chr12:64,486,020, A>G. VCF-style: chr12-64486020-A-G. GRCh37 (hg19) VCF-style: chr12-64879800-A-G.
Identifiers: ClinVar variation 2196924 (VCV002196924.4), dbSNP rs775677694, ClinGen allele CA6669038.